The following is an entry in ClinVar:

NM_001162501.2(TNRC6B):c.3083G>A (p.Gly1028Asp)

Gene: TNRC6B (trinucleotide repeat containing adaptor 6B; plus strand). Cytogenetic location: 22q13.1.
Variant type: single nucleotide variant.
Coding change: c.3083G>A on transcript NM_001162501.2 (MANE Select); coding-DNA position 3083, G replaced by A.
Protein change: p.Gly1028Asp; replaces glycine 1028 with aspartic acid.
Molecular consequence: missense variant.
Genome position (GRCh38, 1-based): chr22:40,273,542, G>A. VCF-style: chr22-40273542-G-A. GRCh37 (hg19) VCF-style: chr22-40669546-G-A.
Other names: c.842G>A, p.Gly281Asp (NM_001024843.2); c.2924G>A, p.Gly975Asp (NM_015088.3); short protein forms G1028D, G281D, G975D.
Identifiers: ClinVar variation 2671649 (VCV002671649.1), dbSNP rs2517996754, ClinGen allele CA411645153.
Genomic context (GRCh38, chr22:40,273,542, plus strand): 5'-GCCATCCCAGCTGGGAAGAGGAGGAGGATGGAGGAGTCTGGAACACCACTGGCTCTCAGG[G>A]CAGTGCTTCCTCCCACAACTCAGCAAGCTGGGGACAAGGAGGAAAGAAACAAATGAAGGT-3'
Protein context (NP_001155973.1, residues 1018-1038): GGVWNTTGSQ[Gly1028Asp]SASSHNSASW

ClinVar aggregate classification (germline): Uncertain significance (1 of 4 stars; one submission).

Conditions:
Global developmental delay with speech and behavioral abnormalities. Identifiers: MedGen C5543226, MONDO:0030995, OMIM 619243.

Allele frequency attached by ClinVar (database versions not stated): gnomAD exomes below 0.00001.
gnomAD v4.1: 1 of 1,593,552 alleles (0.000063%); highest among the groups gnomAD compares: South Asian, 0.0011%; no homozygotes.

Submission:

Neuberg Centre For Genomic Medicine, NCGM
Classification: Uncertain significance for Global developmental delay with speech and behavioral abnormalities. Last evaluated: 2023-02-14. Review status: criteria provided, single submitter. Criteria: ACMG Guidelines, 2015. Collection method: clinical testing. Allele origin: germline. Inheritance: Autosomal dominant inheritance. Affected: yes.
Comment: The missense variant c.3083G>A(p.Gly1028Asp) in TNRC6B gene has not been reported previously as a pathogenic variant nor as a benign variant, to our knowledge. The variant is novel (not in any individuals) in gnomAD Exomes and 1000 Genomes. The amino acid Glycine at position 1028 is changed to a Aspartic acid changing protein sequence and it might alter its composition and physico-chemical properties. The amino acid change p.Gly1028Asp in TNRC6B is predicted as conserved by GERP++ and PhyloP across 100 vertebrates. For these reasons, this variant has been classified as Uncertain Significance.